The following is an entry in ClinVar:

ClinVar aggregate classification (germline): Conflicting classifications of pathogenicity. Review status: criteria provided, conflicting classifications (1 of 4 stars). 3 submissions from 3 submitters: Uncertain significance (1); Benign (1); Likely benign (1). Last evaluated 2025-07-08.

Conditions:
Cardiovascular phenotype. Identifiers: MedGen CN230736.
Long QT syndrome (LQTS). Identifiers: MedGen C0023976, MeSH D008133, MONDO:0002442. Disease mechanism: loss of function. Inheritance: Various modes of inheritance.

Allele frequency attached by ClinVar (database versions not stated): TOPMed 0.00023; 1000 Genomes Project 30x 0.00047; 1000 Genomes Project 0.00060; ESP Exome Variant Server 0.00069.
gnomAD v4.1: 280 of 1,614,106 alleles (0.017%); highest among the groups gnomAD compares: Middle Eastern, 0.099%; 1 homozygote.

Submissions (3):

Labcorp Genetics (formerly Invitae), Labcorp
Classification: Uncertain significance for Long QT syndrome. Last evaluated: 2025-07-08. Review status: criteria provided, single submitter. Criteria: Invitae Variant Classification Sherloc (09022015). Collection method: clinical testing. Allele origin: germline.
Comment: This sequence change replaces methionine, which is neutral and non-polar, with isoleucine, which is neutral and non-polar, at codon 3743 of the AKAP9 protein (p.Met3743Ile). This variant is present in population databases (rs143306820, gnomAD 0.08%), and has an allele count higher than expected for a pathogenic variant. This missense change has been observed in individual(s) with Brugada syndrome (PMID: 26743238, 30276209). ClinVar contains an entry for this variant (Variation ID: 360853). An algorithm developed to predict the effect of missense changes on protein structure and function (PolyPhen-2) suggests that this variant is likely to be tolerated. In summary, the available evidence is currently insufficient to determine the role of this variant in disease. Therefore, it has been classified as a Variant of Uncertain Significance.

Blueprint Genetics
Classification: Likely benign. Last evaluated: 2024-10-22. Review status: criteria provided, single submitter. Criteria: ACMG Guidelines, 2015. Collection method: clinical testing. Allele origin: germline.

Ambry Genetics
Classification: Benign for Cardiovascular phenotype. Last evaluated: 2022-04-04. Review status: criteria provided, single submitter. Criteria: Ambry Variant Classification Scheme 2023. Collection method: clinical testing. Allele origin: germline.

Literature cited by the submitters: PubMed 26743238 (cited by Labcorp Genetics (formerly Invitae), Labcorp and Ambry Genetics); PubMed 30276209 (cited by Labcorp Genetics (formerly Invitae), Labcorp and Ambry Genetics); PubMed 23861362 (cited by Ambry Genetics).

NM_005751.5(AKAP9):c.11229G>T (p.Met3743Ile)

Gene: AKAP9 (A-kinase anchoring protein 9; plus strand). Cytogenetic location: 7q21.2.
Variant type: single nucleotide variant.
Coding change: c.11229G>T on transcript NM_005751.5 (MANE Select); coding-DNA position 11229, G replaced by T.
Protein change: p.Met3743Ile; replaces methionine 3743 with isoleucine.
Molecular consequence: missense variant.
Genome position (GRCh38, 1-based): chr7:92,102,725, G>T. VCF-style: chr7-92102725-G-T. GRCh37 (hg19) VCF-style: chr7-91732039-G-T.
Other names: c.5874G>T, p.Met1958Ile (NM_001379277.1); c.11205G>T, p.Met3735Ile (NM_147185.3); short protein forms M3743I, M3735I, M1958I.
Identifiers: ClinVar variation 360853 (VCV000360853.19), dbSNP rs143306820, ClinGen allele CA4338115.